The following is an entry in ClinVar:

NM_177438.3(DICER1):c.2872A>C (p.Ser958Arg)

Gene: DICER1 (dicer 1, ribonuclease III; minus strand). Cytogenetic location: 14q32.13.
Variant type: single nucleotide variant.
Coding change: c.2872A>C on transcript NM_177438.3 (MANE Select); coding-DNA position 2872, A replaced by C.
Protein change: p.Ser958Arg; replaces serine 958 with arginine.
Molecular consequence: missense variant. On other transcripts: non-coding transcript variant (6).
Genome position (GRCh38, 1-based): chr14:95,106,156, T>G on the plus strand (A>C on the coding strand, the complement: DICER1 is on the minus strand). VCF-style: chr14-95106156-T-G. GRCh37 (hg19) VCF-style: chr14-95572493-T-G.
Other names: c.2872A>C, p.Ser958Arg (NM_001395682.1, NM_001395683.1, NM_001395684.1 and 13 more transcripts); c.2590A>C, p.Ser864Arg (NM_001395686.1); c.2467A>C, p.Ser823Arg (NM_001395687.1, NM_001395688.1, NM_001395689.1 and 2 more transcripts); c.2305A>C, p.Ser769Arg (NM_001395691.1); c.1189A>C, p.Ser397Arg (NM_001395697.1); short protein forms S397R, S958R, S823R, S769R, S864R.
Identifiers: ClinVar variation 1977986 (VCV001977986.5), dbSNP rs752905540, ClinGen allele CA390879064.

ClinVar aggregate classification (germline): Uncertain significance (1 of 4 stars; one submission).

Conditions:
DICER1-related tumor predisposition. Also called: DICER1 syndrome; DICER1-related pleuropulmonary blastoma cancer predisposition syndrome. Identifiers: Orphanet 284343, MedGen C3839822, MONDO:0100216.

Submission:

Labcorp Genetics (formerly Invitae), Labcorp
Classification: Uncertain significance for DICER1-related tumor predisposition. Last evaluated: 2022-08-06. Review status: criteria provided, single submitter. Criteria: Invitae Variant Classification Sherloc (09022015). Collection method: clinical testing. Allele origin: germline.
Comment: In summary, the available evidence is currently insufficient to determine the role of this variant in disease. Therefore, it has been classified as a Variant of Uncertain Significance. Algorithms developed to predict the effect of missense changes on protein structure and function (SIFT, PolyPhen-2, Align-GVGD) all suggest that this variant is likely to be disruptive. This variant has not been reported in the literature in individuals affected with DICER1-related conditions. This variant is not present in population databases (gnomAD no frequency). This sequence change replaces serine, which is neutral and polar, with arginine, which is basic and polar, at codon 958 of the DICER1 protein (p.Ser958Arg).